The following is an entry in ClinVar:

NM_005732.4(RAD50):c.2502G>C (p.Glu834Asp)

Gene: RAD50 (RAD50 double strand break repair protein; plus strand). Cytogenetic location: 5q31.1.
Variant type: single nucleotide variant.
Coding change: c.2502G>C on transcript NM_005732.4 (MANE Select); coding-DNA position 2502, G replaced by C.
Protein change: p.Glu834Asp; replaces glutamic acid 834 with aspartic acid.
Molecular consequence: missense variant.
Genome position (GRCh38, 1-based): chr5:132,604,024, G>C. VCF-style: chr5-132604024-G-C. GRCh37 (hg19) VCF-style: chr5-131939716-G-C.
Other names: short protein forms E834D.
Identifiers: ClinVar variation 232521 (VCV000232521.16), dbSNP rs377438445, ClinGen allele CA3405402.

ClinVar aggregate classification (germline): Uncertain significance. Review status: criteria provided, multiple submitters, no conflicts (2 of 4 stars). 3 submissions from 3 submitters: Uncertain significance (3). Last evaluated 2025-01-03.

Conditions:
Hereditary cancer-predisposing syndrome. Also called: Neoplastic Syndromes, Hereditary; Tumor predisposition; Hereditary Cancer Syndrome; Hereditary neoplastic syndrome. Identifiers: Orphanet 140162, MedGen C0027672, MeSH D009386, MONDO:0015356.
Nijmegen breakage syndrome-like disorder (NBSLD). Also called: MICROCEPHALY AND SPONTANEOUS CHROMOSOME INSTABILITY WITHOUT IMMUNODEFICIENCY; NBS-LIKE DISORDER; RAD50 DEFICIENCY. Identifiers: Orphanet 240760, MedGen C2751318, MONDO:0013118, OMIM 613078.

Allele frequency attached by ClinVar (database versions not stated): ExAC 0.00001; gnomAD exomes 0.00001 and 0.00002; ESP Exome Variant Server 0.00008.
gnomAD v4.1: 23 of 1,613,744 alleles (0.0014%); highest among the groups gnomAD compares: Non-Finnish European, 0.0019%; no homozygotes.

Submissions (3):

Ambry Genetics
Classification: Uncertain significance for Hereditary cancer-predisposing syndrome. Last evaluated: 2025-01-03. Review status: criteria provided, single submitter. Criteria: Ambry Variant Classification Scheme 2023. Collection method: clinical testing. Allele origin: germline.
Comment: The p.E834D variant (also known as c.2502G>C), located in coding exon 15 of the RAD50 gene, results from a G to C substitution at nucleotide position 2502. The glutamic acid at codon 834 is replaced by aspartic acid, an amino acid with highly similar properties. This amino acid position is well conserved in available vertebrate species. In addition, this alteration is predicted to be tolerated by in silico analysis. Since supporting evidence is limited at this time, the clinical significance of this alteration remains unclear.

Labcorp Genetics (formerly Invitae), Labcorp
Classification: Uncertain significance for Hereditary cancer-predisposing syndrome. Last evaluated: 2024-05-06. Review status: criteria provided, single submitter. Criteria: Invitae Variant Classification Sherloc (09022015). Collection method: clinical testing. Allele origin: germline.
Comment: This sequence change replaces glutamic acid, which is acidic and polar, with aspartic acid, which is acidic and polar, at codon 834 of the RAD50 protein (p.Glu834Asp). This variant is present in population databases (rs377438445, gnomAD 0.002%). This variant has not been reported in the literature in individuals affected with RAD50-related conditions. ClinVar contains an entry for this variant (Variation ID: 232521). Advanced modeling of protein sequence and biophysical properties (such as structural, functional, and spatial information, amino acid conservation, physicochemical variation, residue mobility, and thermodynamic stability) performed at Invitae indicates that this missense variant is not expected to disrupt RAD50 protein function with a negative predictive value of 80%. In summary, the available evidence is currently insufficient to determine the role of this variant in disease. Therefore, it has been classified as a Variant of Uncertain Significance.

Women's Health and Genetics/Laboratory Corporation of America, LabCorp
Classification: Uncertain significance. Last evaluated: 2022-12-22. Review status: criteria provided, single submitter. Criteria: LabCorp Variant Classification Summary - May 2015. Collection method: clinical testing. Allele origin: germline.